The following is an entry in ClinVar:

NM_007347.5(AP4E1):c.2659del (p.His887fs)

Gene: AP4E1 (adaptor related protein complex 4 subunit epsilon 1; plus strand). Cytogenetic location: 15q21.2.
Variant type: Deletion.
Coding change: c.2659del on transcript NM_007347.5 (MANE Select); coding-DNA position 2659, one base deleted (C; older notation c.2659delC).
Protein change: p.His887fs; shifts the reading frame from histidine 887.
Molecular consequence: frameshift variant.
Genome position (GRCh38, 1-based): chr15:50,997,638, C deleted. VCF-style (leftmost placement, unchanged base first): chr15-50997637-TC-T. GRCh37 (hg19) VCF-style: chr15-51289834-TC-T.
Other names: c.2434del, p.His812fs (NM_001252127.2); short protein forms H812fs, H887fs.
Identifiers: ClinVar variation 1694746 (VCV001694746.31), dbSNP rs2140934862, ClinGen allele CA2580089732.
Genomic context (GRCh38, chr15:50,997,637, plus strand): 5'-ATTCTCATATTGTAGTCTGTCTACACCTTCATTGTTTGCTAATAACAACATGGAAATTTT[TC>T]ACCCTCCTCAATCTACTGCAGCCTCAGTTGCCAAGGAAAGCTCTTTAGCTTCATCTTTTT-3'

ClinVar aggregate classification (germline): Pathogenic (1 of 4 stars; one submission).

Submission:

CeGaT Center for Human Genetics Tuebingen
Classification: Pathogenic. Last evaluated: 2022-05-01. Review status: criteria provided, single submitter. Criteria: CeGaT Center For Human Genetics Tuebingen Variant Classification Criteria Version 2. Collection method: clinical testing. Allele origin: germline. Affected: yes. Observed: 1 variant allele.
Comment: AP4E1: PVS1, PM2